The following is an entry in ClinVar:

ClinVar aggregate classification (germline): Benign (1 of 4 stars; one submission).

Submission:

Unidad de Genómica Garrahan, Hospital de Pediatría Garrahan
Classification: Benign. Last evaluated: 2024-07-15. Review status: criteria provided, single submitter. Criteria: ACMG Guidelines, 2015. Collection method: clinical testing. Allele origin: germline. Affected: no. Observed: 93 variant alleles.
Comment: This variant is classified as Benign based on local population frequency. This variant was detected in 100% of patients studied in a panel designed for Epileptic and Developmental Encephalopathy and Progressive Myoclonus Epilepsy. Number of patients: 93. Only high quality variants are reported.

NC_000005.10:g.126531402G>A

Variant type: single nucleotide variant.
Genome position: GRCh38 VCF-style: chr5-126531402-G-A. GRCh37 (hg19) VCF-style: chr5-125867094-G-A.
Identifiers: ClinVar variation 3255249 (VCV003255249.2), dbSNP rs4416599.